The following is an entry in ClinVar:

ClinVar aggregate classification (germline): Uncertain significance (1 of 4 stars; one submission).

Submission:

Ambry Genetics
Classification: Uncertain significance. Last evaluated: 2025-02-24. Review status: criteria provided, single submitter. Criteria: Ambry Variant Classification Scheme 2023. Collection method: clinical testing. Allele origin: germline.
Comment: The p.E12K variant (also known as c.34G>A), located in coding exon 2 of the RPS20 gene, results from a G to A substitution at nucleotide position 34. The glutamic acid at codon 12 is replaced by lysine, an amino acid with similar properties. This amino acid position is conserved. In addition, the in silico prediction for this alteration is inconclusive. Based on the available evidence, the clinical significance of this variant remains unclear.

NM_001023.4(RPS20):c.34G>A (p.Glu12Lys)

Gene: RPS20 (ribosomal protein S20; minus strand). Cytogenetic location: 8q12.1.
Variant type: single nucleotide variant.
Coding change: c.34G>A on transcript NM_001023.4 (MANE Select); coding-DNA position 34, G replaced by A.
Protein change: p.Glu12Lys; replaces glutamic acid 12 with lysine.
Molecular consequence: missense variant.
Genome position (GRCh38, 1-based): chr8:56,074,129, C>T on the plus strand (G>A on the coding strand, the complement: RPS20 is on the minus strand). VCF-style: chr8-56074129-C-T. GRCh37 (hg19) VCF-style: chr8-56986688-C-T.
Other names: c.34G>A, p.Glu12Lys (NM_001146227.3); short protein forms E12K.
Identifiers: ClinVar variation 3790510 (VCV003790510.1).
Genomic context (GRCh38, chr8:56,074,129, plus strand): 5'-AGGATTTTACGTTGCGGCTTGTTAGGGTGATTCGAATTCGGTGAATTGCCACCTCCGGCT[C>T]CACGGGTGTTTTTCCGGTATCCTTAAAAGCCTATTATTAGATACATGAAAAAGAACAATA-3'
Protein context (NP_001014.1, residues 2-22): AFKDTGKTPV[Glu12Lys]PEVAIHRIRI